The following is an entry in ClinVar:

ClinVar aggregate classification (germline): Conflicting classifications of pathogenicity. Review status: criteria provided, conflicting classifications (1 of 4 stars). 5 submissions from 5 submitters: Uncertain significance (2); Benign (1); Likely benign (2). Last evaluated 2025-05-01.

Conditions:
Inborn genetic diseases. Identifiers: MedGen C0950123, MeSH D030342.
Congenital insensitivity to pain-hypohidrosis syndrome. Also called: HSAN VIII; Neuropathy, hereditary sensory and autonomic, type VIII. Identifiers: Orphanet 478664, MedGen C4225308, MONDO:0014662, OMIM 616488.

Submissions (5):

CeGaT Center for Human Genetics Tuebingen
Classification: Likely benign. Last evaluated: 2025-05-01. Review status: criteria provided, single submitter. Criteria: CeGaT Center For Human Genetics Tuebingen Variant Classification Criteria Version 2. Collection method: clinical testing. Allele origin: germline. Affected: yes. Observed: 1 variant allele.
Comment: PRDM12: BS2

Labcorp Genetics (formerly Invitae), Labcorp
Classification: Uncertain significance for Congenital insensitivity to pain-hypohidrosis syndrome. Last evaluated: 2024-12-02. Review status: criteria provided, single submitter. Criteria: Invitae Variant Classification Sherloc (09022015). Collection method: clinical testing. Allele origin: germline.
Comment: This variant, c.1068_1076dup, results in the insertion of 3 amino acid(s) of the PRDM12 protein (p.Ala357_Ala359dup), but otherwise preserves the integrity of the reading frame. The frequency data for this variant in the population databases is considered unreliable, as metrics indicate poor data quality at this position in the gnomAD database. This variant has not been reported in the literature in individuals affected with PRDM12-related conditions. ClinVar contains an entry for this variant (Variation ID: 475810). Experimental studies and prediction algorithms are not available or were not evaluated, and the functional significance of this variant is currently unknown. In summary, the available evidence is currently insufficient to determine the role of this variant in disease. Therefore, it has been classified as a Variant of Uncertain Significance.

Mayo Clinic Laboratories, Mayo Clinic
Classification: Benign. Last evaluated: 2024-06-10. Review status: criteria provided, single submitter. Criteria: ACMG Guidelines, 2015. Collection method: clinical testing. Allele origin: germline. Observed: 2 variant alleles.
Comment: BA1, BS2

Ambry Genetics
Classification: Likely benign for Inborn genetic diseases. Last evaluated: 2022-11-15. Review status: criteria provided, single submitter. Criteria: Ambry Variant Classification Scheme 2023. Collection method: clinical testing. Allele origin: germline.

Breakthrough Genomics
Classification: Uncertain significance. Review status: criteria provided, single submitter. Criteria: ACMG Guidelines, 2015. Collection method: not provided. Allele origin: germline. Inheritance: Autosomal recessive inheritance. Affected: yes.

NM_021619.3(PRDM12):c.1041CGC[15] (p.Ala357_Ala359dup)

Gene: PRDM12 (PR/SET domain 12; plus strand). Cytogenetic location: 9q34.12.
Variant type: Microsatellite.
Coding change: c.1041CGC[15] on transcript NM_021619.3 (MANE Select); 15 copies in a row of the 3-base unit CGC starting at c.1041; the reference has 12 copies in a row; three copies, 9 bases duplicated; also written c.1068_1076dup.
Protein change: p.Ala357_Ala359dup.
Molecular consequence: inframe insertion.
Genome position (GRCh38, 1-based): chr9:130,681,633-130,681,641, CGCCGCCGC duplicated; duplicating any 9 consecutive bases within chr9:130,681,606-130,681,641 gives the same sequence; the position shown is the placement nearest the transcript's 3' end. VCF-style (leftmost placement, unchanged base first): chr9-130681605-T-TCGCCGCCGC. GRCh37 (hg19) VCF-style: chr9-133556992-T-TCGCCGCCGC.
Other names: p.Ala357_Ala359dup; c.1068_1076dupCGCCGCCGC (NM_021619.2); c.1068_1076dup (NM_021619.3).
Identifiers: ClinVar variation 475810 (VCV000475810.24), dbSNP rs752427775, ClinGen allele CA590945313.